The following is an entry in ClinVar:

ClinVar aggregate classification (germline): Uncertain significance (1 of 4 stars; one submission).

Conditions:
Aortic aneurysm, familial thoracic 8 (AAT8). Identifiers: MedGen C3809513, MONDO:0014187, OMIM 615436.

Submission:

Labcorp Genetics (formerly Invitae), Labcorp
Classification: Uncertain significance for Aortic aneurysm, familial thoracic 8. Last evaluated: 2025-04-28. Review status: criteria provided, single submitter. Criteria: Invitae Variant Classification Sherloc (09022015). Collection method: clinical testing. Allele origin: germline.
Comment: This sequence change replaces leucine, which is neutral and non-polar, with valine, which is neutral and non-polar, at codon 381 of the PRKG1 protein (p.Leu381Val). This variant is not present in population databases (gnomAD no frequency). This variant has not been reported in the literature in individuals affected with PRKG1-related conditions. ClinVar contains an entry for this variant (Variation ID: 2742844). An algorithm developed to predict the effect of missense changes on protein structure and function (PolyPhen-2) suggests that this variant is likely to be disruptive. In summary, the available evidence is currently insufficient to determine the role of this variant in disease. Therefore, it has been classified as a Variant of Uncertain Significance.

NM_006258.4(PRKG1):c.1141C>G (p.Leu381Val)

Gene: PRKG1 (protein kinase cGMP-dependent 1; plus strand). Cytogenetic location: 10q21.1.
Variant type: single nucleotide variant.
Coding change: c.1141C>G on transcript NM_006258.4 (MANE Select); coding-DNA position 1141, C replaced by G.
Protein change: p.Leu381Val; replaces leucine 381 with valine.
Molecular consequence: missense variant. On other transcripts: 5 prime UTR variant (1).
Genome position (GRCh38, 1-based): chr10:52,251,634, C>G. VCF-style: chr10-52251634-C-G. GRCh37 (hg19) VCF-style: chr10-54011394-C-G.
Other names: c.1096C>G, p.Leu366Val (NM_001098512.3); c.-69C>G (NM_001374781.1); short protein forms L366V, L381V.
Identifiers: ClinVar variation 2742844 (VCV002742844.3), dbSNP rs2492777292, ClinGen allele CA376534757.